The following is an entry in ClinVar:

ClinVar aggregate classification (germline): Uncertain significance (1 of 4 stars; one submission).

Conditions:
Hereditary cancer-predisposing syndrome. Also called: Tumor predisposition; Neoplastic Syndromes, Hereditary; Hereditary neoplastic syndrome; Hereditary Cancer Syndrome. Identifiers: Orphanet 140162, MedGen C0027672, MeSH D009386, MONDO:0015356.

Submission:

Ambry Genetics
Classification: Uncertain significance for Hereditary cancer-predisposing syndrome. Last evaluated: 2024-12-03. Review status: criteria provided, single submitter. Criteria: Ambry Variant Classification Scheme 2023. Collection method: clinical testing. Allele origin: germline.
Comment: The c.464+5G>T intronic variant results from a G to T substitution 5 nucleotides after coding exon 3 in the STK11 gene. This nucleotide position is highly conserved in available vertebrate species. In silico splice site analysis predicts that this alteration will weaken the native splice donor site; however, direct evidence is insufficient at this time (Ambry internal data). Based on the available evidence, the clinical significance of this variant remains unclear.

NM_000455.5(STK11):c.464+5G>T

Gene: STK11 (serine/threonine kinase 11; plus strand). Cytogenetic location: 19p13.3.
Variant type: single nucleotide variant.
Coding change: c.464+5G>T on transcript NM_000455.5 (MANE Select); 5 bases into the intron after coding-DNA position 464, G replaced by T.
Molecular consequence: intron variant.
Genome position (GRCh38, 1-based): chr19:1,219,418, G>T. VCF-style: chr19-1219418-G-T. GRCh37 (hg19) VCF-style: chr19-1219417-G-T.
Other names: c.464+5G>T (NM_001407255.1).
Identifiers: ClinVar variation 3450557 (VCV003450557.1).